The following is an entry in ClinVar:

NM_058179.4(PSAT1):c.640G>A (p.Asp214Asn)

Gene: PSAT1 (phosphoserine aminotransferase 1; plus strand). Cytogenetic location: 9q21.2.
Variant type: single nucleotide variant.
Coding change: c.640G>A on transcript NM_058179.4 (MANE Select); coding-DNA position 640, G replaced by A.
Protein change: p.Asp214Asn; replaces aspartic acid 214 with asparagine.
Molecular consequence: missense variant.
Genome position (GRCh38, 1-based): chr9:78,308,483, G>A. VCF-style: chr9-78308483-G-A. GRCh37 (hg19) VCF-style: chr9-80923399-G-A.
Other names: c.640G>A, p.Asp214Asn (NM_021154.5); short protein forms D214N.
Identifiers: ClinVar variation 4738229 (VCV004738229.1).

ClinVar aggregate classification (germline): Uncertain significance (1 of 4 stars; one submission).

Conditions:
Neu-Laxova syndrome 2. Identifiers: Orphanet 2671, Orphanet 583602, MedGen C4015019, MONDO:0014466, OMIM 616038.

gnomAD v4.1: 9 of 1,614,004 alleles (0.00056%); highest among the groups gnomAD compares: Non-Finnish European, 0.00076%; no homozygotes.

Submission:

Labcorp Genetics (formerly Invitae), Labcorp
Classification: Uncertain significance for Neu-Laxova syndrome 2. Last evaluated: 2025-02-04. Review status: criteria provided, single submitter. Criteria: Invitae Variant Classification Sherloc (09022015). Collection method: clinical testing. Allele origin: germline.
Comment: This sequence change replaces aspartic acid, which is acidic and polar, with asparagine, which is neutral and polar, at codon 214 of the PSAT1 protein (p.Asp214Asn). This variant is not present in population databases (gnomAD no frequency). This variant has not been reported in the literature in individuals affected with PSAT1-related conditions. Invitae Evidence Modeling of protein sequence and biophysical properties (such as structural, functional, and spatial information, amino acid conservation, physicochemical variation, residue mobility, and thermodynamic stability) indicates that this missense variant is not expected to disrupt PSAT1 protein function with a negative predictive value of 80%. In summary, the available evidence is currently insufficient to determine the role of this variant in disease. Therefore, it has been classified as a Variant of Uncertain Significance.